The following is an entry in ClinVar:

NM_001037283.2(EIF3B):c.802G>A (p.Asp268Asn)

Gene: EIF3B (eukaryotic translation initiation factor 3 subunit B; plus strand). Cytogenetic location: 7p22.3.
Variant type: single nucleotide variant.
Coding change: c.802G>A on transcript NM_001037283.2 (MANE Select); coding-DNA position 802, G replaced by A.
Protein change: p.Asp268Asn; replaces aspartic acid 268 with asparagine.
Molecular consequence: missense variant. On other transcripts: 5 prime UTR variant (2).
Genome position (GRCh38, 1-based): chr7:2,362,754, G>A. VCF-style: chr7-2362754-G-A. GRCh37 (hg19) VCF-style: chr7-2402389-G-A.
Other names: c.802G>A, p.Asp268Asn (NM_001362791.2, NM_003751.4); c.-15G>A (NM_001362792.2, NM_001362793.2); short protein forms D268N.
Identifiers: ClinVar variation 4529721 (VCV004529721.1).

ClinVar aggregate classification (germline): Uncertain significance (1 of 4 stars; one submission).

Submission:

GeneDx
Classification: Uncertain significance. Last evaluated: 2024-09-17. Review status: criteria provided, single submitter. Criteria: GeneDx Variant Classification Process June 2021. Collection method: clinical testing. Allele origin: germline. Affected: yes.
Comment: Not observed at significant frequency in large population cohorts (gnomAD); In silico analysis supports that this missense variant has a deleterious effect on protein structure/function; Has not been previously published as pathogenic or benign to our knowledge; Variants in candidate genes are classified as variants of uncertain significance in accordance with ACMG guidelines (Richards et al., 2015)